The following is an entry in ClinVar:

NM_001122819.3(KIF17):c.1234-3dup

Gene: KIF17 (kinesin family member 17; minus strand). Cytogenetic location: 1p36.12.
Variant type: Duplication.
Coding change: c.1234-3dup on transcript NM_001122819.3 (MANE Select); 3 bases into the intron before coding-DNA position 1234, one base duplicated (C; older notation c.1234-3dupC).
Molecular consequence: intron variant.
Genome position (GRCh38, 1-based): chr1:20,690,338, G duplicated on the plus strand (C on the coding strand, the reverse complement: KIF17 is on the minus strand); the first of 7 consecutive G bases (chr1:20,690,338-20,690,344); duplicating any one gives the same sequence. VCF-style (leftmost placement, unchanged base first): chr1-20690337-T-TG. GRCh37 (hg19) VCF-style: chr1-21016830-T-TG.
Other names: c.1234-3dup (NM_020816.4); c.934-3dup (NM_001287212.2).
Identifiers: ClinVar variation 3043127 (VCV003043127.2), dbSNP rs553263913, ClinGen allele CA662030.

ClinVar aggregate classification (germline): Likely benign (0 of 4 stars; one submission).

Conditions:
KIF17-related disorder. Also called: KIF17-related condition.

Submission:

PreventionGenetics, part of Exact Sciences
Classification: Likely benign for KIF17-related condition. Last evaluated: 2021-04-21. Review status: no assertion criteria provided. Collection method: clinical testing. Allele origin: germline.
Comment: This variant is classified as likely benign based on ACMG/AMP sequence variant interpretation guidelines (Richards et al. 2015 PMID: 25741868, with internal and published modifications).